The following is an entry in ClinVar:

ClinVar aggregate classification (germline): Uncertain significance. Review status: criteria provided, multiple submitters, no conflicts (2 of 4 stars). 8 submissions from 8 submitters: Uncertain significance (7). 1 of the submissions does not count toward it. Last evaluated 2025-06-13.

Conditions:
Hereditary cancer-predisposing syndrome. Also called: Hereditary Cancer Syndrome; Neoplastic Syndromes, Hereditary; Tumor predisposition; Hereditary neoplastic syndrome. Identifiers: Orphanet 140162, MedGen C0027672, MeSH D009386, MONDO:0015356.
Aplastic anemia. Identifiers: Orphanet 182040, Orphanet 88, MedGen C0002874, MONDO:0015909, OMIM 609135, HP:0001915.
Microcephaly, normal intelligence and immunodeficiency (NBS). Also called: BERLIN BREAKAGE SYNDROME; Ataxia telangiectasia variant V1; IMMUNODEFICIENCY, MICROCEPHALY, AND CHROMOSOMAL INSTABILITY; SEEMANOVA SYNDROME II; Nijmegen breakage syndrome; Microcephaly with normal intelligence immunodeficiency and lymphoreticular malignancies. Identifiers: Orphanet 647, MedGen C0398791, MONDO:0009623, OMIM 251260.

gnomAD v4.1: 5 of 1,613,820 alleles (0.00031%); highest among the groups gnomAD compares: Middle Eastern, 0.017%; no homozygotes.

Submissions (8):

Ambry Genetics
Classification: Uncertain significance for Hereditary cancer-predisposing syndrome. Last evaluated: 2025-06-13. Review status: criteria provided, single submitter. Criteria: Ambry Variant Classification Scheme 2023. Collection method: clinical testing. Allele origin: germline.
Comment: The p.N457S variant (also known as c.1370A>G), located in coding exon 10 of the NBN gene, results from an A to G substitution at nucleotide position 1370. The asparagine at codon 457 is replaced by serine, an amino acid with highly similar properties. This amino acid position is highly conserved in available vertebrate species. In addition, this alteration is predicted to be tolerated by in silico analysis. Since supporting evidence is limited at this time, the clinical significance of this alteration remains unclear.

Labcorp Genetics (formerly Invitae), Labcorp
Classification: Uncertain significance for Microcephaly, normal intelligence and immunodeficiency. Last evaluated: 2024-10-24. Review status: criteria provided, single submitter. Criteria: Invitae Variant Classification Sherloc (09022015). Collection method: clinical testing. Allele origin: germline.
Comment: This sequence change replaces asparagine, which is neutral and polar, with serine, which is neutral and polar, at codon 457 of the NBN protein (p.Asn457Ser). This variant is not present in population databases (gnomAD no frequency). This variant has not been reported in the literature in individuals affected with NBN-related conditions. ClinVar contains an entry for this variant (Variation ID: 231710). An algorithm developed to predict the effect of missense changes on protein structure and function (PolyPhen-2) suggests that this variant is likely to be tolerated. In summary, the available evidence is currently insufficient to determine the role of this variant in disease. Therefore, it has been classified as a Variant of Uncertain Significance.

Baylor Genetics
Classification: Uncertain significance for Aplastic anemia. Last evaluated: 2024-03-25. Review status: criteria provided, single submitter. Criteria: ACMG Guidelines, 2015. Collection method: clinical testing. Allele origin: unknown.

Quest Diagnostics Nichols Institute San Juan Capistrano
Classification: Uncertain significance. Last evaluated: 2024-01-15. Review status: criteria provided, single submitter. Criteria: Quest Diagnostics criteria. Collection method: clinical testing. Allele origin: unknown.
Comment: The NBN c.1370A>G (p.Asn457Ser) variant has been reported in an individual with breast cancer in a published case-control study (PMID: 33471991 (2021), see also LOVD). In addition, this variant has also been reported in large pan-cancer screening study as a variant of uncertain significance (PMID: 36346689 (2023)). This variant has not been reported in large, multi-ethnic general populations (Genome Aggregation Database). Analysis of this variant using bioinformatics tools for the prediction of the effect of amino acid changes on protein structure and function yielded predictions that this variant is benign. Based on the available information, we are unable to determine the clinical significance of this variant.

Genome-Nilou Lab
Classification: Uncertain significance for Microcephaly, normal intelligence and immunodeficiency. Last evaluated: 2021-11-07. Review status: criteria provided, single submitter. Criteria: ACMG Guidelines, 2015. Collection method: clinical testing. Allele origin: germline. Affected: no.

GeneDx
Classification: Uncertain significance. Last evaluated: 2017-04-22. Review status: criteria provided, single submitter. Criteria: GeneDx Variant Classification (06012015). Collection method: clinical testing. Allele origin: germline. Affected: yes.
Comment: This variant is denoted NBN c.1370A>G at the cDNA level, p.Asn457Ser (N457S) at the protein level, and results in the change of an Asparagine to a Serine (AAC>AGC). This variant has not, to our knowledge, been published in the literature as pathogenic or benign. NBN Asn457Ser was not observed in approximately 6,500 individuals of European and African American ancestry in the NHLBI Exome Sequencing Project, indicating it is not a common benign variant in these populations. Since Asparagine and Serine share similar properties, this is considered a conservative amino acid substitution. NBN Asn457Ser occurs at a position that is conserved across species and is not located in a known functional domain (UniProt). In silico analyses are inconsistent regarding the effect this variant may have on protein structure and function. Based on currently available information, it is unclear whether NBN Asn457Ser is pathogenic or benign. We consider it to be a variant of uncertain significance.

Women's Health and Genetics/Laboratory Corporation of America, LabCorp
Classification: Uncertain significance. Last evaluated: 2016-07-01. Review status: criteria provided, single submitter. Criteria: LabCorp Variant Classification Summary - May 2015. Collection method: clinical testing. Allele origin: germline.
Comment: Variant summary: The NBN c.1370A>G (p.Asn457Ser) variant involves the alteration of a conserved nucleotide. 4/4 in silico tools predict a benign outcome for this variant, and Asn457 is not located in a known functional domain of the Nibrin protein. This variant was absent in 121360 control chromosomes and has not, to our knowledge, been reported in affected individuals via publications, nor evaluated for functional impact by in vivo/vitro studies. In addition, one clinical diagnostic laboratory classified this variant as a VUS. Because of the absence of clinical information and the lack of functional studies, the variant was classified as a variant of uncertain significance (VUS) until additional information becomes available.

Natera, Inc.
Classification: Uncertain significance for Nijmegen breakage syndrome. Last evaluated: 2021-02-05. Review status: no assertion criteria provided. Collection method: clinical testing. Allele origin: germline. Not counted in ClinVar's aggregate classification.

Literature cited by the submitters: PubMed 36346689 (cited by Quest Diagnostics Nichols Institute San Juan Capistrano); PubMed 33471991 (cited by Quest Diagnostics Nichols Institute San Juan Capistrano).

NM_002485.5(NBN):c.1370A>G (p.Asn457Ser)

Gene: NBN (nibrin; minus strand). Cytogenetic location: 8q21.3.
Variant type: single nucleotide variant.
Coding change: c.1370A>G on transcript NM_002485.5 (MANE Select); coding-DNA position 1370, A replaced by G.
Protein change: p.Asn457Ser; replaces asparagine 457 with serine.
Molecular consequence: missense variant.
Genome position (GRCh38, 1-based): chr8:89,955,310, T>C on the plus strand (A>G on the coding strand, the complement: NBN is on the minus strand). VCF-style: chr8-89955310-T-C. GRCh37 (hg19) VCF-style: chr8-90967538-T-C.
Other names: c.1124A>G, p.Asn375Ser (NM_001024688.3); short protein forms N457S, N375S.
Identifiers: ClinVar variation 231710 (VCV000231710.29), dbSNP rs876659312, ClinGen allele CA10578767.
Genomic context (GRCh38, chr8:89,955,310, plus strand): 5'-TCAGAGACATGAGAGAAGTTATCAAAAACAGACCTTTTTTTGGTAGACGGCTGAAAGTAG[T>C]TTCTGATGGAGTTGGTCTGCTGCTGCTGAGAAGCCCTATCTTTACTTTTATTTATACTTG-3'
Protein context (NP_002476.2, residues 447-467): SQQQQTNSIR[Asn457Ser]YFQPSTKKRE